The following is an entry in ClinVar:

ClinVar aggregate classification (germline): Uncertain significance. Review status: criteria provided, multiple submitters, no conflicts (2 of 4 stars). 2 submissions from 2 submitters: Uncertain significance (2). Last evaluated 2022-07-06.

Conditions:
Seizures, benign familial infantile, 3 (BFIS3). Also called: CONVULSIONS, BENIGN FAMILIAL INFANTILE, 3; Familial neonatal seizures. Identifiers: Orphanet 140927, Orphanet 306, MedGen C1843140, MONDO:0011904, OMIM 607745.
Developmental and epileptic encephalopathy, 11 (DEE11). Also called: Early infantile epileptic encephalopathy 11. Identifiers: Orphanet 1934, MedGen C3150987, MONDO:0013388, OMIM 613721.

Allele frequency attached by ClinVar (database versions not stated): ExAC 0.00001; gnomAD exomes 0.00001; TOPMed 0.00001.
gnomAD v4.1: 9 of 1,613,948 alleles (0.00056%); highest among the groups gnomAD compares: East Asian, 0.0022%; no homozygotes.

Submissions (2):

Labcorp Genetics (formerly Invitae), Labcorp
Classification: Uncertain significance for Seizures, benign familial infantile, 3; Developmental and epileptic encephalopathy, 11. Last evaluated: 2022-07-06. Review status: criteria provided, single submitter. Criteria: Invitae Variant Classification Sherloc (09022015). Collection method: clinical testing. Allele origin: germline.
Comment: This sequence change replaces proline, which is neutral and non-polar, with leucine, which is neutral and non-polar, at codon 8 of the SCN2A protein (p.Pro8Leu). In summary, the available evidence is currently insufficient to determine the role of this variant in disease. Therefore, it has been classified as a Variant of Uncertain Significance. Algorithms developed to predict the effect of missense changes on protein structure and function are either unavailable or do not agree on the potential impact of this missense change (SIFT: "Deleterious"; PolyPhen-2: "Possibly Damaging"; Align-GVGD: "Class C0"). ClinVar contains an entry for this variant (Variation ID: 207031). This variant has not been reported in the literature in individuals affected with SCN2A-related conditions. This variant is present in population databases (rs747139785, gnomAD 0.002%).

GeneDx
Classification: Uncertain significance. Last evaluated: 2013-09-30. Review status: criteria provided, single submitter. Criteria: GeneDx Variant Classification (06012015). Collection method: clinical testing. Allele origin: germline. Affected: yes.
Comment: p.Pro8Leu (CCG>CTG): c.23 C>T in exon 2 of the SCN2A gene (NM_021007.2). The Pro8Leu missense change has not been published as a mutation, nor has it been reported as a benign polymorphism to our knowledge. It was not observed in approximately 6,500 individuals of European and African American ancestry in the NHLBI Exome Sequencing Project, indicating it is not a common benign variant in these populations. This variant is a semi-conservative amino acid substitution as Proline and Leucine are both uncharged, non-polar residues; however, the removal of a Proline, which has a unique ring structure, may affect the secondary structure of the protein. The variant alters a position in the protein that is conserved across species, and in silico analysis predicts this variant is probably damaging to the protein structure/function. However, mutations associated with epilepsy have not been previously reported in this region of the protein. Therefore, based on the currently available information, it is unclear whether Pro8Leu is a disease-causing mutation or a rare benign variant. The variant is found in EPILEPSY panel(s).

NM_001040142.2(SCN2A):c.23C>T (p.Pro8Leu)

Gene: SCN2A (sodium voltage-gated channel alpha subunit 2; plus strand). Cytogenetic location: 2q24.3.
Variant type: single nucleotide variant.
Coding change: c.23C>T on transcript NM_001040142.2 (MANE Select); coding-DNA position 23, C replaced by T.
Protein change: p.Pro8Leu; replaces proline 8 with leucine.
Molecular consequence: missense variant.
Genome position (GRCh38, 1-based): chr2:165,295,846, C>T. VCF-style: chr2-165295846-C-T. GRCh37 (hg19) VCF-style: chr2-166152356-C-T.
Other names: p.P8L:CCG>CTG; c.23C>T, p.Pro8Leu (NM_001040143.2, NM_001371246.1, NM_001371247.1 and 1 more transcripts); short protein forms P8L.
Identifiers: ClinVar variation 207031 (VCV000207031.12), dbSNP rs747139785, ClinGen allele CA318054.
Genomic context (GRCh38, chr2:165,295,846, plus strand): 5'-AAGGAGCTAAACAGTGATTAAAGGAGCAGGATGAAAAGATGGCACAGTCAGTGCTGGTAC[C>T]GCCAGGACCTGACAGCTTCCGCTTCTTTACCAGGGAATCCCTTGCTGCTATTGAACAACG-3'
Protein context (NP_001035232.1, residues 1-18): MAQSVLV[Pro8Leu]PGPDSFRFFT